The following is an entry in ClinVar:

NM_005618.4(DLL1):c.506C>T (p.Thr169Met)

Gene: DLL1 (delta like canonical Notch ligand 1; minus strand). Cytogenetic location: 6q27.
Variant type: single nucleotide variant.
Coding change: c.506C>T on transcript NM_005618.4 (MANE Select); coding-DNA position 506, C replaced by T.
Protein change: p.Thr169Met; replaces threonine 169 with methionine.
Molecular consequence: missense variant.
Genome position (GRCh38, 1-based): chr6:170,288,403, G>A on the plus strand (C>T on the coding strand, the complement: DLL1 is on the minus strand). VCF-style: chr6-170288403-G-A. GRCh37 (hg19) VCF-style: chr6-170597491-G-A.
Other names: short protein forms T169M.
Identifiers: ClinVar variation 2431423 (VCV002431423.3), dbSNP rs1290747145, ClinGen allele CA366509422.
Genomic context (GRCh38, chr6:170,288,403, plus strand): 5'-GAGCAGCCCTCTCCGTAGTAGTGTTCGTCACACACGAAGCGGTAGGAGTACTTGAGGTCC[G>A]TGCGGCCGCTGCTGTGCAGGTCCTGGGACCACTCCTCGCCCACCGTCAGGTGCCTCTGGG-3'
Protein context (NP_005609.3, residues 159-179): WSQDLHSSGR[Thr169Met]DLKYSYRFVC

ClinVar aggregate classification (germline): Uncertain significance. Review status: criteria provided, multiple submitters, no conflicts (2 of 4 stars). 2 submissions from 2 submitters: Uncertain significance (2). Last evaluated 2025-08-29.

Conditions:
Neurodevelopmental disorder with nonspecific brain abnormalities and with or without seizures. Identifiers: MedGen C5231470, MONDO:0032877, OMIM 618709.

Allele frequency attached by ClinVar (database versions not stated): gnomAD exomes 0.00001.
gnomAD v4.1: 12 of 1,614,060 alleles (0.00074%); highest among the groups gnomAD compares: Non-Finnish European, 0.00093%; no homozygotes.

Submissions (2):

Labcorp Genetics (formerly Invitae), Labcorp
Classification: Uncertain significance. Last evaluated: 2025-08-29. Review status: criteria provided, single submitter. Criteria: Invitae Variant Classification Sherloc (09022015). Collection method: clinical testing. Allele origin: germline.
Comment: This sequence change replaces threonine, which is neutral and polar, with methionine, which is neutral and non-polar, at codon 169 of the DLL1 protein (p.Thr169Met). This variant is present in population databases (no rsID available, gnomAD 0.0009%). This variant has not been reported in the literature in individuals affected with DLL1-related conditions. ClinVar contains an entry for this variant (Variation ID: 2431423). An algorithm developed to predict the effect of missense changes on protein structure and function (PolyPhen-2) suggests that this variant is likely to be disruptive. In summary, the available evidence is currently insufficient to determine the role of this variant in disease. Therefore, it has been classified as a Variant of Uncertain Significance.

Laboratorio de Genetica e Diagnostico Molecular, Hospital Israelita Albert Einstein
Classification: Uncertain significance for Neurodevelopmental disorder with nonspecific brain abnormalities and with or without seizures. Last evaluated: 2022-12-22. Review status: criteria provided, single submitter. Criteria: ACMG Guidelines, 2015. Collection method: clinical testing. Allele origin: germline. Affected: yes. Observed: 1 variant allele.
Comment: ACMG classification criteria: PM2 moderated, PP3 supporting